The following is an entry in ClinVar:

ClinVar aggregate classification (germline): Uncertain significance (1 of 4 stars; one submission).

Conditions:
Emery-Dreifuss muscular dystrophy 4, autosomal dominant (EDMD4). Also called: EMERY-DREIFUSS MUSCULAR DYSTROPHY 4 WITH VARIABLE FEATURES. Identifiers: Orphanet 261, MedGen C2751807, MONDO:0013071, OMIM 612998.
Autosomal recessive ataxia, Beauce type. Also called: SYNE1 Deficiency; Spinocerebellar ataxia, autosomal recessive 8; ATAXIA, RECESSIVE, OF BEAUCE; SYNE1-Related Autosomal Recessive Cerebellar Ataxia. Identifiers: Orphanet 88644, MedGen C1853116, MONDO:0012549, OMIM 610743.

Allele frequency attached by ClinVar (database versions not stated): TOPMed 0.00002; ExAC 0.00001.
gnomAD v4.1: 19 of 1,614,048 alleles (0.0012%); highest among the groups gnomAD compares: South Asian, 0.0044%; no homozygotes.

Submission:

Labcorp Genetics (formerly Invitae), Labcorp
Classification: Uncertain significance for Emery-Dreifuss muscular dystrophy 4, autosomal dominant; Autosomal recessive ataxia, Beauce type. Last evaluated: 2021-12-19. Review status: criteria provided, single submitter. Criteria: Invitae Variant Classification Sherloc (09022015). Collection method: clinical testing. Allele origin: germline.
Comment: This sequence change replaces arginine, which is basic and polar, with glutamine, which is neutral and polar, at codon 6156 of the SYNE1 protein (p.Arg6156Gln). This variant is present in population databases (rs778929049, gnomAD 0.01%). This variant has not been reported in the literature in individuals affected with SYNE1-related conditions. Algorithms developed to predict the effect of missense changes on protein structure and function output the following: SIFT: "Tolerated"; PolyPhen-2: "Benign"; Align-GVGD: "Class C0". The glutamine amino acid residue is found in multiple mammalian species, which suggests that this missense change does not adversely affect protein function. In summary, the available evidence is currently insufficient to determine the role of this variant in disease. Therefore, it has been classified as a Variant of Uncertain Significance.

NM_182961.4(SYNE1):c.18680G>A (p.Arg6227Gln)

Gene: SYNE1 (spectrin repeat containing nuclear envelope protein 1; minus strand). Cytogenetic location: 6q25.2.
Variant type: single nucleotide variant.
Coding change: c.18680G>A on transcript NM_182961.4 (MANE Select); coding-DNA position 18680, G replaced by A.
Protein change: p.Arg6227Gln; replaces arginine 6227 with glutamine.
Molecular consequence: missense variant.
Genome position (GRCh38, 1-based): chr6:152,269,180, C>T on the plus strand (G>A on the coding strand, the complement: SYNE1 is on the minus strand). VCF-style: chr6-152269180-C-T. GRCh37 (hg19) VCF-style: chr6-152590315-C-T.
Other names: c.18467G>A, p.Arg6156Gln (NM_033071.5); short protein forms R6156Q, R6227Q.
Identifiers: ClinVar variation 2039201 (VCV002039201.1), dbSNP rs778929049, ClinGen allele CA4054890.